The following is an entry in ClinVar:

ClinVar aggregate classification (germline): Pathogenic (1 of 4 stars; one submission).

Conditions:
Alpha thalassemia-X-linked intellectual disability syndrome (ATRX). Also called: ALPHA-THALASSEMIA/MENTAL RETARDATION SYNDROME, X-LINKED; ATR, NONDELETION TYPE; ALPHA-THALASSEMIA/IMPAIRED INTELLECTUAL DEVELOPMENT SYNDROME, X-LINKED; X-linked alpha-thalassemia-mental retardation syndrome; ATR-X syndrome; Alpha thalassemia mental retardation syndrome, nondeletion type, X-linked. Identifiers: Orphanet 847, MedGen C1845055, MONDO:0010519, OMIM 301040.

Submission:

Baylor Genetics
Classification: Pathogenic for Alpha thalassemia-X-linked intellectual disability syndrome. Last evaluated: 2017-09-01. Review status: criteria provided, single submitter. Criteria: ACMG Guidelines, 2015. Collection method: clinical testing. Allele origin: maternal. Inheritance: X-linked inheritance. Affected: yes.
Comment: The mutation is located in a conserved base adjacent to the invariant donor splice site. RNA studies showed that the c.4317G>A change decreases the efficiency of splicing at the normal splicing site and leads to abnormal splicing product with inclusion of 53 nucleotides of intronic sequence [PMID 596841].

Literature cited by the submitters: PubMed 8968741; PubMed 21505078; PubMed 25326635.

NM_000489.6(ATRX):c.4317G>A (p.Lys1439=)

Gene: ATRX (ATRX chromatin remodeler; minus strand). Cytogenetic location: Xq21.1.
Variant type: single nucleotide variant.
Coding change: c.4317G>A on transcript NM_000489.6 (MANE Select); coding-DNA position 4317, G replaced by A.
Protein change: p.Lys1439=; no amino-acid change (lysine 1439 retained).
Molecular consequence: synonymous variant.
Genome position (GRCh38, 1-based): chrX:77,654,098, C>T on the plus strand (G>A on the coding strand, the complement: ATRX is on the minus strand). VCF-style: chrX-77654098-C-T. GRCh37 (hg19) VCF-style: chrX-76909588-C-T.
Other names: c.4203G>A, p.Lys1401= (NM_138270.5).
Identifiers: ClinVar variation 560933 (VCV000560933.3), dbSNP rs1569535642, ClinGen allele CA517376130.